The following is an entry in ClinVar:

NM_001379286.1(ZNF423):c.2900A>G (p.Tyr967Cys)

Gene: ZNF423 (zinc finger protein 423; minus strand). Cytogenetic location: 16q12.1.
Variant type: single nucleotide variant.
Coding change: c.2900A>G on transcript NM_001379286.1 (MANE Select); coding-DNA position 2900, A replaced by G.
Protein change: p.Tyr967Cys; replaces tyrosine 967 with cysteine.
Molecular consequence: missense variant.
Genome position (GRCh38, 1-based): chr16:49,636,276, T>C on the plus strand (A>G on the coding strand, the complement: ZNF423 is on the minus strand). VCF-style: chr16-49636276-T-C. GRCh37 (hg19) VCF-style: chr16-49670187-T-C.
Other names: c.2696A>G, p.Tyr899Cys (NM_001271620.2); c.2525A>G, p.Tyr842Cys (NM_001330533.2); c.2876A>G, p.Tyr959Cys (NM_015069.5); short protein forms Y842C, Y899C, Y959C, Y967C.
Identifiers: ClinVar variation 1038138 (VCV001038138.7), dbSNP rs760522262, ClinGen allele CA8046410.

ClinVar aggregate classification (germline): Uncertain significance. Review status: criteria provided, multiple submitters, no conflicts (2 of 4 stars). 2 submissions from 2 submitters: Uncertain significance (2). Last evaluated 2023-04-04.

Conditions:
Nephronophthisis 14 (NPHP14). Identifiers: Orphanet 2318, MedGen C3539071, MONDO:0013916, OMIM 614844.

Allele frequency attached by ClinVar (database versions not stated): gnomAD 0.00001; gnomAD exomes 0.00001; TOPMed 0.00001; ExAC 0.00002.
gnomAD v4.1: 5 of 1,612,798 alleles (0.00031%); highest among the groups gnomAD compares: Non-Finnish European, 0.00042%; no homozygotes.

Submissions (2):

Blueprint Genetics
Classification: Uncertain significance. Last evaluated: 2023-04-04. Review status: criteria provided, single submitter. Criteria: ACMG Guidelines, 2015. Collection method: clinical testing. Allele origin: germline.

Labcorp Genetics (formerly Invitae), Labcorp
Classification: Uncertain significance for Nephronophthisis 14. Last evaluated: 2022-01-06. Review status: criteria provided, single submitter. Criteria: Invitae Variant Classification Sherloc (09022015). Collection method: clinical testing. Allele origin: germline.
Comment: In summary, the available evidence is currently insufficient to determine the role of this variant in disease. Therefore, it has been classified as a Variant of Uncertain Significance. Algorithms developed to predict the effect of missense changes on protein structure and function are either unavailable or do not agree on the potential impact of this missense change (SIFT: "Deleterious"; PolyPhen-2: "Possibly Damaging"; Align-GVGD: "Class C0"). ClinVar contains an entry for this variant (Variation ID: 1038138). This variant has not been reported in the literature in individuals affected with ZNF423-related conditions. This variant is present in population databases (rs760522262, gnomAD 0.002%). This sequence change replaces tyrosine, which is neutral and polar, with cysteine, which is neutral and slightly polar, at codon 959 of the ZNF423 protein (p.Tyr959Cys).